The following is an entry in ClinVar:

ClinVar aggregate classification (germline): Likely pathogenic. Review status: reviewed by expert panel (3 of 4 stars). 4 submissions from 4 submitters: Likely pathogenic (1). 3 of the submissions do not count toward it. Last evaluated 2023-09-26.

Conditions:
MELAS syndrome (MELAS). Also called: Juvenile myopathy, encephalopathy, lactic acidosis, stroke. Identifiers: Orphanet 550, MedGen C0162671, MONDO:0010789, OMIM 540000.
Mitochondrial disease. Also called: Mitochondrial disorder; Mitochondrial disorders. Identifiers: Orphanet 68380, MedGen C0751651, MeSH D028361, MONDO:0044970.

Submissions (4):

ClinGen Mitochondrial Disease Nuclear and Mitochondrial  Variant Curation Expert Panel, ClinGen
Classification: Likely pathogenic for Mitochondrial disease. Last evaluated: 2023-09-26. Review status: reviewed by expert panel. Criteria: clingen mito disease acmg specifications v1-1. Collection method: curation. Allele origin: germline. Inheritance: Mitochondrial inheritance.
Comment: The m.3761C>A (p.S152Term) variant causes a premature stop gain in codon 152 of the MT-ND1 gene, which is predicted to remove >10% of the protein (PVS1_strong). This variant has been reported in two individuals. Heteroplasmy ranged from 12-80% (PMID:32158465). Blood heteroplasmy was 81% (PMID:36918699). Haplogroup information was not reported for all cases precluding consideration for PS4. This variant occurred de novo in one individual (absent in blood from mother; PS2_moderate, PMID: 36918699). While nuclear causes of disease were excluded in one proband (PMID:32158465) and biochemical deficiency was shown in another individual (PMID:32158465), there were no cases where nuclear causes of disease and biochemical deficiencies were evaluated in the same individual. This variant is absent in the GenBank dataset, Helix dataset, and gnomAD v3.1.2 (PM2_supporting). In summary, this variant meets criteria to be classified as likely pathogenic for primary mitochondrial disease inherited in a mitochondrial manner. This classification was approved by the NICHD/NINDS U24 ClinGen Mitochondrial Disease Variant Curation Expert Panel on September 26, 2023. Mitochondrial DNA-specific ACMG/AMP criteria applied (PMID: 32906214): PVS1_strong, PS2_moderate, PM2_supporting.

3billion
Classification: Pathogenic for MELAS syndrome. Last evaluated: 2025-10-06. Review status: criteria provided, single submitter. Criteria: ACMG Guidelines, 2015. Collection method: clinical testing. Allele origin: germline. Affected: yes. Not counted in ClinVar's aggregate classification.
Comment: The variant is not observed in the gnomAD v4.1.0 dataset. Predicted Consequence/Location: Stop-gained (nonsense) variant The variant has been reported at least twice as pathogenic with clinical assertions and evidence for the classification (3billion dataset/ClinVar ID: VCV000800504). Therefore, this variant is classified as Pathogenic according to the recommendation of ACMG/AMP guideline.

Mitochondrial Research Group, Newcastle University
Classification: Pathogenic for Mitochondrial disease. Last evaluated: 2019-12-09. Review status: criteria provided, single submitter. Criteria: ACMG Guidelines, 2015. Collection method: clinical testing. Allele origin: germline. Affected: yes. Observed: 2 variant alleles. Not counted in ClinVar's aggregate classification.

Pediatric Department, Xiangya Hospital, Central South University
Classification: Likely pathogenic. Review status: criteria provided, single submitter. Criteria: ACMG Guidelines, 2015. Collection method: clinical testing. Allele origin: de novo. Affected: yes. Not counted in ClinVar's aggregate classification.

NC_012920.1(MT-ND1):m.3761C>A

Gene: MT-ND1 (mitochondrially encoded NADH dehydrogenase 1; plus strand).
Variant type: single nucleotide variant.
Genome position: chrM-3761-C-A.
Identifiers: ClinVar variation 800504 (VCV000800504.30), dbSNP rs1603219126, ClinGen allele CA414773453.